The following is an entry in ClinVar:

NM_000276.4(OCRL):c.1498C>G (p.Arg500Gly)

Gene: OCRL (OCRL inositol polyphosphate-5-phosphatase; plus strand). Cytogenetic location: Xq26.1.
Variant type: single nucleotide variant.
Coding change: c.1498C>G on transcript NM_000276.4 (MANE Select); coding-DNA position 1498, C replaced by G.
Protein change: p.Arg500Gly; replaces arginine 500 with glycine.
Molecular consequence: missense variant.
Genome position (GRCh38, 1-based): chrX:129,569,295, C>G. VCF-style: chrX-129569295-C-G. GRCh37 (hg19) VCF-style: chrX-128703272-C-G.
Other names: c.1501C>G, p.Arg501Gly (NM_001318784.2); c.1498C>G, p.Arg500Gly (NM_001587.4); short protein forms R500G, R501G.
Identifiers: ClinVar variation 92721 (VCV000092721.8), dbSNP rs398123287, ClinGen allele CA220572.
Genomic context (GRCh38, chrX:129,569,295, plus strand): 5'-CTCTTTATAACTCGTTTCTTTACTTACAGTGGGAAATGCCGGGTTCCAGCCTGGTGTGAC[C>G]GAATTCTTTGGAGAGGAACAAATGTTAATCAGCTTAATTATCGGAGTCACATGGAACTGA-3'
Protein context (NP_000267.2, residues 490-510): GKCRVPAWCD[Arg500Gly]ILWRGTNVNQ

ClinVar aggregate classification (germline): Conflicting classifications of pathogenicity. Review status: criteria provided, conflicting classifications (1 of 4 stars). 2 submissions from 2 submitters: Pathogenic (1); Uncertain significance (1). Last evaluated 2015-03-24.

Submissions (2):

GeneDx
Classification: Pathogenic. Last evaluated: 2015-03-24. Review status: criteria provided, single submitter. Criteria: GeneDx Variant Classification (06012015). Collection method: clinical testing. Allele origin: germline. Affected: yes.
Comment: The R500G missense variant in the OCRL gene has been reported previously, using alternatenomenclature (R483G), in association with Lowe syndrome (Satre et al., 1999). The R500G variant was not observed in approximately 6,500 individuals of European and African American ancestry in the NHLBI Exome Sequencing Project, indicating it is not a common benign variant in these populations. We interpret R500G as a pathogenic variant.

Eurofins Ntd Llc (ga)
Classification: Uncertain significance. Last evaluated: 2013-08-14. Review status: criteria provided, single submitter. Criteria: EGL Classification Definitions 2015. Collection method: clinical testing. Allele origin: germline. Observed: 1 variant allele, 1 hemizygote.